The following is an entry in ClinVar:

NM_022166.4(XYLT1):c.1743G>A (p.Pro581=)

Genes: XYLT1 (xylosyltransferase 1; minus strand), LOC102723692 (uncharacterized LOC102723692; plus strand). Cytogenetic location: 16p12.3.
Variant type: single nucleotide variant.
Coding change: c.1743G>A on transcript NM_022166.4 (MANE Select); coding-DNA position 1743, G replaced by A.
Protein change: p.Pro581=; no amino-acid change (proline 581 retained).
Molecular consequence: synonymous variant. On other transcripts: non-coding transcript variant (1).
Genome position (GRCh38, 1-based): chr16:17,138,376, C>T on the plus strand (G>A on the coding strand, the complement: XYLT1 is on the minus strand). VCF-style: chr16-17138376-C-T. GRCh37 (hg19) VCF-style: chr16-17232233-C-T.
Identifiers: ClinVar variation 790928 (VCV000790928.14), dbSNP rs34653270, ClinGen allele CA7927804.

ClinVar aggregate classification (germline): Benign/Likely benign. Review status: criteria provided, multiple submitters, no conflicts (2 of 4 stars). 4 submissions from 4 submitters: Benign (1); Likely benign (2). 1 of the submissions does not count toward it. Last evaluated 2026-01-26.

Conditions:
Desbuquois dysplasia 1 (DBQD1). Also called: DESBUQUOIS DYSPLASIA 1, KIM VARIANT; MICROMELIC DWARFISM WITH VERTEBRAL AND METAPHYSEAL ABNORMALITIES AND ADVANCED CARPOTARSAL OSSIFICATION. Identifiers: Orphanet 1425, MedGen C4012146, MONDO:0009629, OMIM 251450.
XYLT1-related disorder. Also called: XYLT1-related condition.

Allele frequency attached by ClinVar (database versions not stated): gnomAD exomes 0.00183; ExAC 0.00226; gnomAD 0.00600 and 0.00640; 1000 Genomes Project 0.00639; 1000 Genomes Project 30x 0.00640; TOPMed 0.00685; ESP Exome Variant Server 0.00831.
gnomAD v4.1: 1,988 of 1,613,188 alleles (0.12%); highest among the groups gnomAD compares: African/African-American, 2%; 14 homozygotes.

Submissions (4):

Labcorp Genetics (formerly Invitae), Labcorp
Classification: Benign for Desbuquois dysplasia 1. Last evaluated: 2026-01-26. Review status: criteria provided, single submitter. Criteria: Invitae Variant Classification Sherloc (09022015). Collection method: clinical testing. Allele origin: germline.

Blueprint Genetics
Classification: Likely benign. Last evaluated: 2024-11-11. Review status: criteria provided, single submitter. Criteria: ACMG Guidelines, 2015. Collection method: clinical testing. Allele origin: germline.

GeneDx
Classification: Likely benign. Last evaluated: 2021-11-04. Review status: criteria provided, single submitter. Criteria: GeneDx Variant Classification Process June 2021. Collection method: clinical testing. Allele origin: germline. Affected: yes.
Comment: See Variant Classification Assertion Criteria.

PreventionGenetics, part of Exact Sciences
Classification: Likely benign for XYLT1-related condition. Last evaluated: 2024-03-24. Review status: no assertion criteria provided. Collection method: clinical testing. Allele origin: germline. Not counted in ClinVar's aggregate classification.
Comment: This variant is classified as likely benign based on ACMG/AMP sequence variant interpretation guidelines (Richards et al. 2015 PMID: 25741868, with internal and published modifications).